The following is an entry in ClinVar:

ClinVar aggregate classification (germline): Benign (1 of 4 stars; one submission).

Conditions:
Lynch syndrome 5 (LYNCH5). Also called: Colorectal cancer, hereditary nonpolyposis, type 5; Hereditary non-polyposis colorectal cancer, type 5. Identifiers: Orphanet 144, MedGen C1833477, MONDO:0013710, OMIM 614350. Disease mechanism: loss of function.

Submission:

Myriad Genetics, Inc.
Classification: Benign for Lynch syndrome 5. Last evaluated: 2024-12-17. Review status: criteria provided, single submitter. Criteria: Myriad Autosomal Dominant, Autosomal Recessive and X-Linked Classification Criteria (2023). Collection method: clinical testing. Allele origin: unknown.
Comment: This variant is considered benign. This variant is a silent/synonymous amino acid change and it is not expected to impact splicing.

NM_000179.3(MSH6):c.123T>A (p.Ser41=)

Gene: MSH6 (mutS homolog 6; plus strand). Cytogenetic location: 2p16.3.
Variant type: single nucleotide variant.
Coding change: c.123T>A on transcript NM_000179.3 (MANE Select); coding-DNA position 123, T replaced by A.
Protein change: p.Ser41=; no amino-acid change (serine 41 retained).
Molecular consequence: synonymous variant. On other transcripts: 5 prime UTR variant (7), missense variant (1), non-coding transcript variant (5), intron variant (5).
Genome position (GRCh38, 1-based): chr2:47,783,356, T>A. VCF-style: chr2-47783356-T-A. GRCh37 (hg19) VCF-style: chr2-48010495-T-A.
Other names: c.123T>A, p.Ser41= (NM_001281492.2, NM_001406795.1, NM_001406796.1 and 9 more transcripts); c.-614T>A (NM_001281493.2, NM_001406811.1); c.-206T>A (NM_001406799.1); c.68T>A, p.Leu23His (NM_001406804.1); c.-806T>A (NM_001406807.1); c.-461T>A (NM_001406812.1); c.-872T>A (NM_001406814.1); c.-417T>A (NM_001406816.1); and 3 more; short protein forms L23H.
Identifiers: ClinVar variation 3904123 (VCV003904123.1).
Genomic context (GRCh38, chr2:47,783,356, plus strand): 5'-CAAGGCCTCGGCCAGGGCCTCACGCGAAGGCGGCCGTGCCGCCGCTGCCCCCGGGGCCTC[T>A]CCTTCCCCAGGCGGGGATGCGGCCTGGAGCGAGGCTGGGCCTGGGCCCAGGCCCTTGGCG-3'
Protein context (NP_000170.1, residues 31-51): GGRAAAAPGA[Ser41=]PSPGGDAAWS